The following is an entry in ClinVar:

NM_182961.4(SYNE1):c.20449C>T (p.Arg6817Trp)

Gene: SYNE1 (spectrin repeat containing nuclear envelope protein 1; minus strand). Cytogenetic location: 6q25.2.
Variant type: single nucleotide variant.
Coding change: c.20449C>T on transcript NM_182961.4 (MANE Select); coding-DNA position 20449, C replaced by T.
Protein change: p.Arg6817Trp; replaces arginine 6817 with tryptophan.
Molecular consequence: missense variant.
Genome position (GRCh38, 1-based): chr6:152,234,748, G>A on the plus strand (C>T on the coding strand, the complement: SYNE1 is on the minus strand). VCF-style: chr6-152234748-G-A. GRCh37 (hg19) VCF-style: chr6-152555883-G-A.
Other names: p.Arg6746Trp; c.20236C>T, p.Arg6746Trp (NM_033071.5); short protein forms R6817W, R6746W.
Identifiers: ClinVar variation 289049 (VCV000289049.23), dbSNP rs140903556, ClinGen allele CA4054427.

ClinVar aggregate classification (germline): Uncertain significance. Review status: criteria provided, multiple submitters, no conflicts (2 of 4 stars). 8 submissions from 8 submitters: Uncertain significance (8). Last evaluated 2026-02-01.

Conditions:
Emery-Dreifuss muscular dystrophy 4, autosomal dominant (EDMD4). Also called: EMERY-DREIFUSS MUSCULAR DYSTROPHY 4 WITH VARIABLE FEATURES. Identifiers: Orphanet 261, MedGen C2751807, MONDO:0013071, OMIM 612998.
Autosomal recessive ataxia, Beauce type. Also called: SYNE1 Deficiency; SYNE1-Related Autosomal Recessive Cerebellar Ataxia; ATAXIA, RECESSIVE, OF BEAUCE; Spinocerebellar ataxia, autosomal recessive 8. Identifiers: Orphanet 88644, MedGen C1853116, MONDO:0012549, OMIM 610743.

Allele frequency attached by ClinVar (database versions not stated): ExAC 0.00004; gnomAD 0.00004; gnomAD exomes 0.00004 and 0.00009; TOPMed 0.00006.
gnomAD v4.1: 144 of 1,613,946 alleles (0.0089%); highest among the groups gnomAD compares: Non-Finnish European, 0.011%; no homozygotes.

Submissions (8):

CeGaT Center for Human Genetics Tuebingen
Classification: Uncertain significance. Last evaluated: 2026-02-01. Review status: criteria provided, single submitter. Criteria: CeGaT Center For Human Genetics Tuebingen Variant Classification Criteria Version 2. Collection method: clinical testing. Allele origin: germline. Affected: yes. Observed: 1 variant allele.
Comment: SYNE1: PM2

GeneDx
Classification: Uncertain significance. Last evaluated: 2025-11-20. Review status: criteria provided, single submitter. Criteria: GeneDx Variant Classification Process June 2021. Collection method: clinical testing. Allele origin: germline.
Comment: In silico analysis supports that this missense variant has a deleterious effect on protein structure/function; This variant is associated with the following publications: (PMID: 31692161)

Dasa
Classification: Uncertain significance. Last evaluated: 2024-05-29. Review status: criteria provided, single submitter. Criteria: DASA Assertion Criteria. Collection method: clinical testing. Allele origin: germline.
Comment: NM_182961.4(SYNE1):c.20449C>T (p.Arg6817Trp) is a missense variant that results in the substitution of arginine with tryptophan. This variant is rare in population databases. Computational prediction algorithms are consistent with a benign effect. The currently available literature and clinical evidence are not sufficient to establish a definitive association between this variant and the reported condition. Therefore, this variant is classified as a variant of uncertain significance.

Revvity Omics, Revvity
Classification: Uncertain significance. Last evaluated: 2023-02-28. Review status: criteria provided, single submitter. Criteria: ACMG Guidelines, 2015. Collection method: clinical testing. Allele origin: germline.

Labcorp Genetics (formerly Invitae), Labcorp
Classification: Uncertain significance for Emery-Dreifuss muscular dystrophy 4, autosomal dominant; Autosomal recessive ataxia, Beauce type. Last evaluated: 2022-07-19. Review status: criteria provided, single submitter. Criteria: Invitae Variant Classification Sherloc (09022015). Collection method: clinical testing. Allele origin: germline.
Comment: This sequence change replaces arginine, which is basic and polar, with tryptophan, which is neutral and slightly polar, at codon 6746 of the SYNE1 protein (p.Arg6746Trp). This variant is present in population databases (rs140903556, gnomAD 0.01%). This missense change has been observed in individual(s) with clinical features of autosomal recessive cerebellar ataxia (PMID: 31692161). ClinVar contains an entry for this variant (Variation ID: 289049). Algorithms developed to predict the effect of missense changes on protein structure and function (SIFT, PolyPhen-2, Align-GVGD) all suggest that this variant is likely to be disruptive. In summary, the available evidence is currently insufficient to determine the role of this variant in disease. Therefore, it has been classified as a Variant of Uncertain Significance.

Mayo Clinic Laboratories, Mayo Clinic
Classification: Uncertain significance. Last evaluated: 2021-07-26. Review status: criteria provided, single submitter. Criteria: ACMG Guidelines, 2015. Collection method: clinical testing. Allele origin: germline.

Athena Diagnostics
Classification: Uncertain significance. Last evaluated: 2021-06-25. Review status: criteria provided, single submitter. Criteria: Athena Diagnostics Criteria. Collection method: clinical testing. Allele origin: unknown.

Eurofins Ntd Llc (ga)
Classification: Uncertain significance. Last evaluated: 2016-06-27. Review status: criteria provided, single submitter. Criteria: EGL Classification Definitions 2015. Collection method: clinical testing. Allele origin: germline. Observed: 1 variant allele, 1 heterozygote.

Literature cited by the submitters: PubMed 31692161 (cited by Labcorp Genetics (formerly Invitae), Labcorp).